The following is an entry in ClinVar:

NM_004360.5(CDH1):c.2432T>C (p.Ile811Thr)

Gene: CDH1 (cadherin 1; plus strand). Cytogenetic location: 16q22.1.
Variant type: single nucleotide variant.
Coding change: c.2432T>C on transcript NM_004360.5 (MANE Select); coding-DNA position 2432, T replaced by C.
Protein change: p.Ile811Thr; replaces isoleucine 811 with threonine.
Molecular consequence: missense variant.
Genome position (GRCh38, 1-based): chr16:68,829,790, T>C. VCF-style: chr16-68829790-T-C. GRCh37 (hg19) VCF-style: chr16-68863693-T-C.
Other names: c.2432T>C (LRG_301t1); c.2249T>C, p.Ile750Thr (NM_001317184.2); c.884T>C, p.Ile295Thr (NM_001317185.2); c.467T>C, p.Ile156Thr (NM_001317186.2); short protein forms I811T, I156T, I295T, I750T.
Identifiers: ClinVar variation 463761 (VCV000463761.13), dbSNP rs1555517918, ClinGen allele CA396471366.

ClinVar aggregate classification (germline): Uncertain significance. Review status: criteria provided, multiple submitters, no conflicts (2 of 4 stars). 2 submissions from 2 submitters: Uncertain significance (2). Last evaluated 2024-12-13.

Conditions:
Hereditary cancer-predisposing syndrome. Also called: Hereditary neoplastic syndrome; Neoplastic Syndromes, Hereditary; Tumor predisposition; Hereditary Cancer Syndrome. Identifiers: Orphanet 140162, MedGen C0027672, MeSH D009386, MONDO:0015356.
Hereditary diffuse gastric adenocarcinoma (HDGC). Also called: DIFFUSE GASTRIC AND LOBULAR BREAST CANCER SYNDROME. Identifiers: Orphanet 26106, MedGen C1708349, MONDO:0007648, OMIM 137215.

Submissions (2):

Ambry Genetics
Classification: Uncertain significance for Hereditary cancer-predisposing syndrome. Last evaluated: 2024-12-13. Review status: criteria provided, single submitter. Criteria: Ambry Variant Classification Scheme 2023. Collection method: clinical testing. Allele origin: germline.
Comment: The p.I811T variant (also known as c.2432T>C), located in coding exon 15 of the CDH1 gene, results from a T to C substitution at nucleotide position 2432. The isoleucine at codon 811 is replaced by threonine, an amino acid with similar properties. This amino acid position is highly conserved in available vertebrate species. In addition, this alteration is predicted to be deleterious by in silico analysis. Based on the available evidence, the clinical significance of this variant remains unclear.

Labcorp Genetics (formerly Invitae), Labcorp
Classification: Uncertain significance for Hereditary diffuse gastric adenocarcinoma. Last evaluated: 2024-08-05. Review status: criteria provided, single submitter. Criteria: Invitae Variant Classification Sherloc (09022015). Collection method: clinical testing. Allele origin: germline.
Comment: This sequence change replaces isoleucine, which is neutral and non-polar, with threonine, which is neutral and polar, at codon 811 of the CDH1 protein (p.Ile811Thr). This variant is not present in population databases (gnomAD no frequency). This variant has not been reported in the literature in individuals affected with CDH1-related conditions. ClinVar contains an entry for this variant (Variation ID: 463761). An algorithm developed to predict the effect of missense changes on protein structure and function (PolyPhen-2) suggests that this variant is likely to be disruptive. In summary, the available evidence is currently insufficient to determine the role of this variant in disease. Therefore, it has been classified as a Variant of Uncertain Significance.